The following is an entry in ClinVar:

NC_000019.9:g.(?_17881214)_(17881725_?)dup

Gene: FCHO1 (FCH and mu domain containing endocytic adaptor 1; plus strand). Cytogenetic location: 19p13.11.
Variant type: Duplication.
Identifiers: ClinVar variation 1511484 (VCV001511484.5).

ClinVar aggregate classification (germline): Uncertain significance (1 of 4 stars; one submission).

Submission:

Labcorp Genetics (formerly Invitae), Labcorp
Classification: Uncertain significance. Last evaluated: 2022-06-27. Review status: criteria provided, single submitter. Criteria: Invitae Variant Classification Sherloc (09022015). Collection method: clinical testing. Allele origin: germline.
Comment: In summary, the available evidence is currently insufficient to determine the role of this variant in disease. Therefore, it has been classified as a Variant of Uncertain Significance. Experimental studies and prediction algorithms are not available or were not evaluated, and the functional significance of this variant is currently unknown. This variant has not been reported in the literature in individuals affected with FCHO1-related conditions. This variant results in a copy number gain of the genomic region encompassing exon(s) 8-9 of the FCHO1 gene. While the exact position of this variant cannot be determined from the data, sub-genic copy number gains are generally in tandem (PMID: 25640679). This variant is predicted to be in-frame, and likely preserves the integrity of the reading frame.

Literature cited by the submitters: PubMed 25640679.